The following is an entry in ClinVar:

ClinVar aggregate classification (germline): Uncertain significance. Review status: criteria provided, multiple submitters, no conflicts (2 of 4 stars). 7 submissions from 7 submitters: Uncertain significance (7). Last evaluated 2026-01-27.

Conditions:
Hereditary cancer-predisposing syndrome. Also called: Hereditary Cancer Syndrome; Hereditary neoplastic syndrome; Tumor predisposition; Neoplastic Syndromes, Hereditary. Identifiers: Orphanet 140162, MedGen C0027672, MeSH D009386, MONDO:0015356.
Endometrial carcinoma. Also called: Endometrial carcinoma, somatic. Identifiers: MedGen C0476089, MONDO:0002447, OMIM 608089, HP:0012114.

Allele frequency attached by ClinVar (database versions not stated): TOPMed 0.00002; gnomAD 0.00001; ExAC 0.00009; gnomAD exomes 0.00011.
gnomAD v4.1: 57 of 1,612,530 alleles (0.0035%); highest among the groups gnomAD compares: Admixed American, 0.04%; no homozygotes.

Submissions (7):

Labcorp Genetics (formerly Invitae), Labcorp
Classification: Uncertain significance. Last evaluated: 2026-01-27. Review status: criteria provided, single submitter. Criteria: Invitae Variant Classification Sherloc (09022015). Collection method: clinical testing. Allele origin: germline.
Comment: This sequence change replaces methionine, which is neutral and non-polar, with threonine, which is neutral and polar, at codon 554 of the MSH3 protein (p.Met554Thr). This variant is present in population databases (rs755514051, gnomAD 0.06%). This variant has not been reported in the literature in individuals affected with MSH3-related conditions. ClinVar contains an entry for this variant (Variation ID: 644632). An algorithm developed to predict the effect of missense changes on protein structure and function (PolyPhen-2) suggests that this variant is likely to be tolerated. In summary, the available evidence is currently insufficient to determine the role of this variant in disease. Therefore, it has been classified as a Variant of Uncertain Significance.

Quest Diagnostics Nichols Institute San Juan Capistrano
Classification: Uncertain significance. Last evaluated: 2025-09-24. Review status: criteria provided, single submitter. Criteria: Quest Diagnostics criteria. Collection method: clinical testing. Allele origin: unknown.
Comment: The MSH3 c.1661T>C (p.Met554Thr) variant has not been reported in individuals with MSH3-related conditions in the published literature. The frequency of this variant in the general population (Genome Aggregation Database) is higher than would generally be expected for pathogenic variants in this gene. Analysis of this variant using bioinformatics tools for the prediction of the effect of amino acid changes on protein structure and function yielded predictions that this variant is benign. Based on the available information, we are unable to determine the clinical significance of this variant.

Ambry Genetics
Classification: Uncertain significance for Hereditary cancer-predisposing syndrome. Last evaluated: 2025-06-06. Review status: criteria provided, single submitter. Criteria: Ambry Variant Classification Scheme 2023. Collection method: clinical testing. Allele origin: germline.
Comment: The p.M554T variant (also known as c.1661T>C), located in coding exon 12 of the MSH3 gene, results from a T to C substitution at nucleotide position 1661. The methionine at codon 554 is replaced by threonine, an amino acid with similar properties. This amino acid position is poorly conserved in available vertebrate species. In addition, this alteration is predicted to be tolerated by in silico analysis. Based on the available evidence, the clinical significance of this variant remains unclear.

GeneDx
Classification: Uncertain significance. Last evaluated: 2024-09-01. Review status: criteria provided, single submitter. Criteria: GeneDx Variant Classification Process June 2021. Collection method: clinical testing. Allele origin: germline.
Comment: In silico analysis indicates that this missense variant does not alter protein structure/function; Has not been previously published as pathogenic or benign to our knowledge

Baylor Genetics
Classification: Uncertain significance for Endometrial carcinoma. Last evaluated: 2024-02-14. Review status: criteria provided, single submitter. Criteria: ACMG Guidelines, 2015. Collection method: clinical testing. Allele origin: unknown.

Department of Pathology and Laboratory Medicine, Sinai Health System
Classification: Uncertain significance for Endometrial carcinoma. Last evaluated: 2023-03-08. Review status: criteria provided, single submitter. Criteria: ACMG Guidelines, 2015. Collection method: clinical testing. Allele origin: germline. Affected: yes.

Sema4
Classification: Uncertain significance for Hereditary cancer-predisposing syndrome. Last evaluated: 2021-09-01. Review status: criteria provided, single submitter. Criteria: Sema4 Curation Guidelines. Collection method: curation. Allele origin: germline.
Comment: The MSH3 c.1661T>C (p.M554T) variant has not been reported in the literature to our knowledge. It was observed in 21/34448 chromosomes of the Latino subpopulation, with no homozygotes, in the large and broad cohorts of the Genome Aggregation Database (PMID: 32461654). The variant has been reported in ClinVar (Variation ID: 644632). Functional studies have not been performed, and in silico predictions of the variant's effect on protein function are inconclusive. The evidence is insufficient to meet ACMG/AMP criteria for classifying the variant as benign or pathogenic. Thus, the clinical significance of this variant is currently uncertain.

NM_002439.5(MSH3):c.1661T>C (p.Met554Thr)

Gene: MSH3 (mutS homolog 3; plus strand). Cytogenetic location: 5q14.1.
Variant type: single nucleotide variant.
Coding change: c.1661T>C on transcript NM_002439.5 (MANE Select); coding-DNA position 1661, T replaced by C.
Protein change: p.Met554Thr; replaces methionine 554 with threonine.
Molecular consequence: missense variant.
Genome position (GRCh38, 1-based): chr5:80,744,513, T>C. VCF-style: chr5-80744513-T-C. GRCh37 (hg19) VCF-style: chr5-80040332-T-C.
Other names: short protein forms M554T.
Identifiers: ClinVar variation 644632 (VCV000644632.21), dbSNP rs755514051, ClinGen allele CA3328006.